The following is an entry in ClinVar:

ClinVar aggregate classification (germline): Uncertain significance (1 of 4 stars; one submission).

Submission:

GeneDx
Classification: Uncertain significance. Last evaluated: 2021-04-05. Review status: criteria provided, single submitter. Criteria: GeneDx Variant Classification Process June 2021. Collection method: clinical testing. Allele origin: germline. Affected: yes.
Comment: Not observed in large population cohorts (Lek et al., 2016); In silico analysis supports that this missense variant does not alter protein structure/function; Has not been previously published as pathogenic or benign to our knowledge

NM_001693.4(ATP6V1B2):c.472A>C (p.Ile158Leu)

Gene: ATP6V1B2 (ATPase H+ transporting V1 subunit B2; plus strand). Cytogenetic location: 8p21.3.
Variant type: single nucleotide variant.
Coding change: c.472A>C on transcript NM_001693.4 (MANE Select); coding-DNA position 472, A replaced by C.
Protein change: p.Ile158Leu; replaces isoleucine 158 with leucine.
Molecular consequence: missense variant.
Genome position (GRCh38, 1-based): chr8:20,211,185, A>C. VCF-style: chr8-20211185-A-C. GRCh37 (hg19) VCF-style: chr8-20068696-A-C.
Other names: short protein forms I158L.
Identifiers: ClinVar variation 1314261 (VCV001314261.2), dbSNP rs148416874, ClinGen allele CA370471638.